The following is an entry in ClinVar:

ClinVar aggregate classification (germline): Conflicting classifications of pathogenicity. Review status: criteria provided, conflicting classifications (1 of 4 stars). 9 submissions from 8 submitters: Uncertain significance (1); Benign (3); Likely benign (5). Last evaluated 2026-06-01.

Conditions:
Congenital multicore myopathy with external ophthalmoplegia (CMYO1B). Also called: MULTIMINICORE DISEASE WITH EXTERNAL OPHTHALMOPLEGIA; MULTICORE MYOPATHY; Minicore myopathy with external ophthalmoplegia; Congenital myopathy 1B, autosomal recessive; Minicore myopathy. Identifiers: Orphanet 598, Orphanet 98905, MedGen C1850674, MONDO:0009712, OMIM 255320, HP:0003789.
RYR1-related disorder. Also called: RYR1-related disorders; RYR1-related condition. Identifiers: MedGen CN239331.
Malignant hyperthermia, susceptibility to, 1 (MHS1). Also called: Anesthesia related hyperthermia; Malignant hyperpyrexia; Fulminating hyperpyrexia; Pharmacogenic myopathy; RYR1-Related Malignant Hyperthermia Susceptibility; Malignant hyperthermia suceptibility 1. Identifiers: Orphanet 423, MedGen C2930980, MONDO:0007783, OMIM 145600.

Allele frequency attached by ClinVar (database versions not stated): 1000 Genomes Project 30x 0.00016; 1000 Genomes Project 0.00020; TOPMed 0.00057; gnomAD 0.00058; ESP Exome Variant Server 0.00062; ExAC 0.00088; gnomAD exomes 0.00102.
gnomAD v4.1: 870 of 1,611,094 alleles (0.054%); highest among the groups gnomAD compares: Middle Eastern, 0.066%; 10 homozygotes.

Submissions (9):

CeGaT Center for Human Genetics Tuebingen
Classification: Benign. Last evaluated: 2026-06-01. Review status: criteria provided, single submitter. Criteria: CeGaT Center For Human Genetics Tuebingen Variant Classification Criteria Version 2. Collection method: clinical testing. Allele origin: germline. Affected: yes. Observed: 47 variant alleles.
Comment: RYR1: BP4, BS1, BS2

Labcorp Genetics (formerly Invitae), Labcorp
Classification: Benign for RYR1-related disorder. Last evaluated: 2026-02-01. Review status: criteria provided, single submitter. Criteria: Invitae Variant Classification Sherloc (09022015). Collection method: clinical testing. Allele origin: germline.

Mayo Clinic Laboratories, Mayo Clinic
Classification: Benign. Last evaluated: 2025-10-22. Review status: criteria provided, single submitter. Criteria: ACMG Guidelines, 2015. Collection method: clinical testing. Allele origin: germline. Observed: 1 variant allele.
Comment: BA1

Blueprint Genetics
Classification: Likely benign. Last evaluated: 2024-09-24. Review status: criteria provided, single submitter. Criteria: ACMG Guidelines, 2015. Collection method: clinical testing. Allele origin: germline.

Illumina Laboratory Services, Illumina
Classification: Uncertain significance for Congenital multicore myopathy with external ophthalmoplegia. Last evaluated: 2018-01-12. Review status: criteria provided, single submitter. Criteria: ICSL Variant Classification Criteria 13 December 2019. Collection method: clinical testing. Allele origin: germline.

Illumina Laboratory Services, Illumina
Classification: Likely benign for Malignant hyperthermia, susceptibility to, 1. Last evaluated: 2018-01-12. Review status: criteria provided, single submitter. Criteria: ICSL Variant Classification Criteria 13 December 2019. Collection method: clinical testing. Allele origin: germline.
Comment: This variant was observed in the ICSL laboratory as part of a predisposition screen in an ostensibly healthy population. It had not been previously curated by ICSL or reported in the Human Gene Mutation Database (HGMD: prior to June 1st, 2018), and was therefore a candidate for classification through an automated scoring system. Utilizing variant allele frequency, disease prevalence and penetrance estimates, and inheritance mode, an automated score was calculated to assess if this variant is too frequent to cause the disease. Based on the score and internal cut-off values, a variant classified as likely benign is not then subjected to further curation. The score for this variant resulted in a classification of likely benign for this disease.

GeneDx
Classification: Likely benign. Last evaluated: 2017-12-19. Review status: criteria provided, single submitter. Criteria: GeneDx Variant Classification (06012015). Collection method: clinical testing. Allele origin: germline. Affected: yes.
Comment: This variant is considered likely benign or benign based on one or more of the following criteria: it is a conservative change, it occurs at a poorly conserved position in the protein, it is predicted to be benign by multiple in silico algorithms, and/or has population frequency not consistent with disease.

Eurofins Ntd Llc (ga)
Classification: Likely benign. Last evaluated: 2017-01-06. Review status: criteria provided, single submitter. Criteria: EGL Classification Definitions 2015. Collection method: clinical testing. Allele origin: germline. Observed: 1 variant allele, 1 heterozygote.

PreventionGenetics, part of Exact Sciences
Classification: Likely benign. Review status: criteria provided, single submitter. Criteria: ACMG Guidelines, 2015. Collection method: clinical testing. Allele origin: germline.

NM_000540.3(RYR1):c.2682+7G>A

Gene: RYR1 (ryanodine receptor 1; plus strand). Cytogenetic location: 19q13.2.
Variant type: single nucleotide variant.
Coding change: c.2682+7G>A on transcript NM_000540.3 (MANE Select); 7 bases into the intron after coding-DNA position 2682, G replaced by A.
Molecular consequence: intron variant.
Genome position (GRCh38, 1-based): chr19:38,463,534, G>A. VCF-style: chr19-38463534-G-A. GRCh37 (hg19) VCF-style: chr19-38954174-G-A.
Other names: p.?; c.2682+7G>A (NM_001042723.2).
Identifiers: ClinVar variation 256483 (VCV000256483.63), dbSNP rs201498416, ClinGen allele CA063753.